The following is an entry in ClinVar:

ClinVar aggregate classification (germline): Benign. Review status: criteria provided, multiple submitters, no conflicts (2 of 4 stars). 4 submissions from 4 submitters: Benign (4). Last evaluated 2026-07-01.

Allele frequency attached by ClinVar (database versions not stated): 1000 Genomes Project 0.00220; 1000 Genomes Project 30x 0.00265; gnomAD 0.00551; TOPMed 0.00686; ESP Exome Variant Server 0.00698; ExAC 0.00836.
gnomAD v4.1: 13,354 of 1,562,922 alleles (0.85%); highest among the groups gnomAD compares: Admixed American, 1%; 68 homozygotes.

Submissions (4):

CeGaT Center for Human Genetics Tuebingen
Classification: Benign. Last evaluated: 2026-07-01. Review status: criteria provided, single submitter. Criteria: CeGaT Center For Human Genetics Tuebingen Variant Classification Criteria Version 2. Collection method: clinical testing. Allele origin: germline. Affected: yes. Observed: 2 variant alleles.
Comment: SIPA1L3: BP4, BP7, BS1, BS2

Labcorp Genetics (formerly Invitae), Labcorp
Classification: Benign. Last evaluated: 2026-01-06. Review status: criteria provided, single submitter. Criteria: Invitae Variant Classification Sherloc (09022015). Collection method: clinical testing. Allele origin: germline.

GeneDx
Classification: Benign. Last evaluated: 2018-12-19. Review status: criteria provided, single submitter. Criteria: GeneDx Variant Classification Process June 2021. Collection method: clinical testing. Allele origin: germline. Affected: yes.

Breakthrough Genomics
Classification: Benign. Review status: criteria provided, single submitter. Criteria: ACMG Guidelines, 2015. Collection method: not provided. Allele origin: germline. Inheritance: Autosomal recessive inheritance. Affected: yes.

NM_015073.3(SIPA1L3):c.5313G>A (p.Ala1771=)

Gene: SIPA1L3 (signal induced proliferation associated 1 like 3; plus strand). Cytogenetic location: 19q13.2.
Variant type: single nucleotide variant.
Coding change: c.5313G>A on transcript NM_015073.3 (MANE Select); coding-DNA position 5313, G replaced by A.
Protein change: p.Ala1771=; no amino-acid change (alanine 1771 retained).
Molecular consequence: synonymous variant.
Genome position (GRCh38, 1-based): chr19:38,206,207, G>A. VCF-style: chr19-38206207-G-A. GRCh37 (hg19) VCF-style: chr19-38696847-G-A.
Identifiers: ClinVar variation 784833 (VCV000784833.20), dbSNP rs149733495, ClinGen allele CA9410636.
Genomic context (GRCh38, chr19:38,206,207, plus strand): 5'-GAACAACCAGCGGCTGCAGGAGGAGTCGCAGGCCGCCAGCGAGCAGCTGCGCAAGTTTGC[G>A]GAGATCTTCTGCAGGGAGAAGAAGGAGCTCTGAGGTGGGAGGCCGCCGCCCGCCTTCGCT-3'
Protein context (NP_055888.1, residues 1761-1781): QAASEQLRKF[Ala1771=]EIFCREKKEL